The following is an entry in ClinVar:

NM_053025.4(MYLK):c.1385A>T (p.Glu462Val)

Gene: MYLK (myosin light chain kinase; minus strand). Cytogenetic location: 3q21.1.
Variant type: single nucleotide variant.
Coding change: c.1385A>T on transcript NM_053025.4 (MANE Select); coding-DNA position 1385, A replaced by T.
Protein change: p.Glu462Val; replaces glutamic acid 462 with valine.
Molecular consequence: missense variant. On other transcripts: intron variant (2).
Genome position (GRCh38, 1-based): chr3:123,733,027, T>A on the plus strand (A>T on the coding strand, the complement: MYLK is on the minus strand). VCF-style: chr3-123733027-T-A. GRCh37 (hg19) VCF-style: chr3-123451874-T-A.
Other names: c.857A>T, p.Glu286Val (NM_001321309.2); c.1385A>T, p.Glu462Val (NM_053027.4); c.1309+660A>T (NM_053028.4, NM_053026.4); short protein forms E286V, E462V.
Identifiers: ClinVar variation 3228897 (VCV003228897.2), dbSNP rs376140363, ClinGen allele CA067055.

ClinVar aggregate classification (germline): Uncertain significance. Review status: criteria provided, multiple submitters, no conflicts (2 of 4 stars). 2 submissions from 2 submitters: Uncertain significance (2). Last evaluated 2025-06-16.

Conditions:
Aortic aneurysm, familial thoracic 7 (AAT7). Also called: AORTIC DISSECTION, FAMILIAL, WITH OR WITHOUT AORTIC ANEURYSM. Identifiers: MedGen C3151077, MONDO:0013418, OMIM 613780.
Familial thoracic aortic aneurysm and aortic dissection (TAAD). Also called: Thoracic aortic aneurysms and dissections. Identifiers: Orphanet 91387, MedGen C4707243, MONDO:0019625.

Allele frequency attached by ClinVar (database versions not stated): gnomAD exomes below 0.00001; gnomAD 0.00001; TOPMed 0.00001; ExAC 0.00002; ESP Exome Variant Server 0.00008.
gnomAD v4.1: 5 of 1,614,012 alleles (0.00031%); highest among the groups gnomAD compares: African/African-American, 0.0067%; no homozygotes.

Submissions (2):

Labcorp Genetics (formerly Invitae), Labcorp
Classification: Uncertain significance for Aortic aneurysm, familial thoracic 7. Last evaluated: 2025-06-16. Review status: criteria provided, single submitter. Criteria: Invitae Variant Classification Sherloc (09022015). Collection method: clinical testing. Allele origin: germline.
Comment: This sequence change replaces glutamic acid, which is acidic and polar, with valine, which is neutral and non-polar, at codon 462 of the MYLK protein (p.Glu462Val). This variant is present in population databases (rs376140363, gnomAD 0.007%). This variant has not been reported in the literature in individuals affected with MYLK-related conditions. ClinVar contains an entry for this variant (Variation ID: 3228897). Invitae Evidence Modeling of protein sequence and biophysical properties (such as structural, functional, and spatial information, amino acid conservation, physicochemical variation, residue mobility, and thermodynamic stability) indicates that this missense variant is not expected to disrupt MYLK protein function with a negative predictive value of 95%. In summary, the available evidence is currently insufficient to determine the role of this variant in disease. Therefore, it has been classified as a Variant of Uncertain Significance.

Ambry Genetics
Classification: Uncertain significance for Familial thoracic aortic aneurysm and aortic dissection. Last evaluated: 2024-03-14. Review status: criteria provided, single submitter. Criteria: Ambry Variant Classification Scheme 2023. Collection method: clinical testing. Allele origin: germline.
Comment: The p.E462V variant (also known as c.1385A>T), located in coding exon 8 of the MYLK gene, results from an A to T substitution at nucleotide position 1385. The glutamic acid at codon 462 is replaced by valine, an amino acid with dissimilar properties. This amino acid position is conserved. In addition, this alteration is predicted to be tolerated by in silico analysis. Based on the available evidence, the clinical significance of this alteration remains unclear.